The following is an entry in ClinVar:

NM_007317.3(KIF22):c.101G>C (p.Gly34Ala)

Gene: KIF22 (kinesin family member 22; plus strand). Cytogenetic location: 16p11.2.
Variant type: single nucleotide variant.
Coding change: c.101G>C on transcript NM_007317.3 (MANE Select); coding-DNA position 101, G replaced by C.
Protein change: p.Gly34Ala; replaces glycine 34 with alanine.
Molecular consequence: missense variant. On other transcripts: 5 prime UTR variant (2).
Genome position (GRCh38, 1-based): chr16:29,796,923, G>C. VCF-style: chr16-29796923-G-C. GRCh37 (hg19) VCF-style: chr16-29808244-G-C.
Other names: c.-104G>C (NM_001256269.2, NM_001256270.1); short protein forms G34A.
Identifiers: ClinVar variation 1717935 (VCV001717935.5), dbSNP rs1898966977, ClinGen allele CA395449815.

ClinVar aggregate classification (germline): Uncertain significance (1 of 4 stars; one submission).

Allele frequency attached by ClinVar (database versions not stated): TOPMed below 0.00001.

Submission:

Labcorp Genetics (formerly Invitae), Labcorp
Classification: Uncertain significance. Last evaluated: 2022-08-24. Review status: criteria provided, single submitter. Criteria: Invitae Variant Classification Sherloc (09022015). Collection method: clinical testing. Allele origin: germline.
Comment: In summary, the available evidence is currently insufficient to determine the role of this variant in disease. Therefore, it has been classified as a Variant of Uncertain Significance. Algorithms developed to predict the effect of missense changes on protein structure and function (SIFT, PolyPhen-2, Align-GVGD) all suggest that this variant is likely to be tolerated. This variant has not been reported in the literature in individuals affected with KIF22-related conditions. This variant is not present in population databases (gnomAD no frequency). This sequence change replaces glycine, which is neutral and non-polar, with alanine, which is neutral and non-polar, at codon 34 of the KIF22 protein (p.Gly34Ala).